The following is an entry in ClinVar:

NM_152618.3(BBS12):c.313C>T (p.Leu105Phe)

Gene: BBS12 (Bardet-Biedl syndrome 12; plus strand). Cytogenetic location: 4q27.
Variant type: single nucleotide variant.
Coding change: c.313C>T on transcript NM_152618.3 (MANE Select); coding-DNA position 313, C replaced by T.
Protein change: p.Leu105Phe; replaces leucine 105 with phenylalanine.
Molecular consequence: missense variant.
Genome position (GRCh38, 1-based): chr4:122,742,205, C>T. VCF-style: chr4-122742205-C-T. GRCh37 (hg19) VCF-style: chr4-123663360-C-T.
Other names: c.313C>T, p.Leu105Phe (NM_001178007.2); c.313C>T (NM_152618.2); short protein forms L105F.
Identifiers: ClinVar variation 2198533 (VCV002198533.3), dbSNP rs1364506764, ClinGen allele CA358222654.

ClinVar aggregate classification (germline): Uncertain significance. Review status: criteria provided, multiple submitters, no conflicts (2 of 4 stars). 3 submissions from 3 submitters: Uncertain significance (3). Last evaluated 2026-04-28.

Conditions:
Inborn genetic diseases. Identifiers: MedGen C0950123, MeSH D030342.
Bardet-Biedl syndrome (BBS). Identifiers: Orphanet 110, MedGen C0752166, MONDO:0015229.
BBS12-related disorder. Also called: BBS12-related condition.

Allele frequency attached by ClinVar (database versions not stated): TOPMed 0.00001.

Submissions (3):

PreventionGenetics, part of Exact Sciences
Classification: Uncertain significance for BBS12-related condition. Last evaluated: 2026-04-28. Review status: criteria provided, single submitter. Criteria: ACMG Guidelines, 2015. Collection method: clinical testing. Allele origin: germline.
Comment: The BBS12 c.313C>T variant is predicted to result in the amino acid substitution p.Leu105Phe. To our knowledge, this variant has not been reported in the literature or in a large population database (gnomAD), indicating this variant is rare. At this time, the clinical significance of this variant is uncertain due to the absence of conclusive functional and genetic evidence.

Ambry Genetics
Classification: Uncertain significance for Inborn genetic diseases. Last evaluated: 2025-09-26. Review status: criteria provided, single submitter. Criteria: Ambry Variant Classification Scheme 2023. Collection method: clinical testing. Allele origin: germline.

Labcorp Genetics (formerly Invitae), Labcorp
Classification: Uncertain significance for Bardet-Biedl syndrome. Last evaluated: 2022-05-17. Review status: criteria provided, single submitter. Criteria: Invitae Variant Classification Sherloc (09022015). Collection method: clinical testing. Allele origin: germline.
Comment: This sequence change replaces leucine, which is neutral and non-polar, with phenylalanine, which is neutral and non-polar, at codon 105 of the BBS12 protein (p.Leu105Phe). This variant is not present in population databases (gnomAD no frequency). This variant has not been reported in the literature in individuals affected with BBS12-related conditions. Algorithms developed to predict the effect of missense changes on protein structure and function are either unavailable or do not agree on the potential impact of this missense change (SIFT: "Deleterious"; PolyPhen-2: "Possibly Damaging"; Align-GVGD: "Class C0"). In summary, the available evidence is currently insufficient to determine the role of this variant in disease. Therefore, it has been classified as a Variant of Uncertain Significance.